The following is an entry in ClinVar:

NM_006071.2(PKDREJ):c.3846C>T (p.Phe1282=)

Gene: PKDREJ (polycystin family receptor for egg jelly; minus strand). Cytogenetic location: 22q13.31.
Variant type: single nucleotide variant.
Coding change: c.3846C>T on transcript NM_006071.2 (MANE Select); coding-DNA position 3846, C replaced by T.
Protein change: p.Phe1282=; no amino-acid change (phenylalanine 1282 retained).
Molecular consequence: synonymous variant.
Genome position (GRCh38, 1-based): chr22:46,259,477, G>A on the plus strand (C>T on the coding strand, the complement: PKDREJ is on the minus strand). VCF-style: chr22-46259477-G-A. GRCh37 (hg19) VCF-style: chr22-46655374-G-A.
Identifiers: ClinVar variation 2653300 (VCV002653300.24), dbSNP rs141931711, ClinGen allele CA10289885.

ClinVar aggregate classification (germline): Likely benign (1 of 4 stars; one submission).

Allele frequency attached by ClinVar (database versions not stated): 1000 Genomes Project 30x 0.00016; 1000 Genomes Project 0.00020; gnomAD 0.00035; TOPMed 0.00046; gnomAD exomes 0.00049; ExAC 0.00054; ESP Exome Variant Server 0.00077.
gnomAD v4.1: 782 of 1,614,186 alleles (0.048%); highest among the groups gnomAD compares: Middle Eastern, 0.17%; no homozygotes.

Submission:

CeGaT Center for Human Genetics Tuebingen
Classification: Likely benign. Last evaluated: 2022-07-01. Review status: criteria provided, single submitter. Criteria: CeGaT Center For Human Genetics Tuebingen Variant Classification Criteria Version 2. Collection method: clinical testing. Allele origin: germline. Affected: yes. Observed: 1 variant allele.
Comment: PKDREJ: BP4, BP7